The following is an entry in ClinVar:

NM_003906.5(MCM3AP):c.2929C>G (p.His977Asp)

Gene: MCM3AP (minichromosome maintenance complex component 3 associated protein; minus strand). Cytogenetic location: 21q22.3.
Variant type: single nucleotide variant.
Coding change: c.2929C>G on transcript NM_003906.5 (MANE Select); coding-DNA position 2929, C replaced by G.
Protein change: p.His977Asp; replaces histidine 977 with aspartic acid.
Molecular consequence: missense variant.
Genome position (GRCh38, 1-based): chr21:46,266,027, G>C on the plus strand (C>G on the coding strand, the complement: MCM3AP is on the minus strand). VCF-style: chr21-46266027-G-C. GRCh37 (hg19) VCF-style: chr21-47685941-G-C.
Other names: c.2929C>G (NM_003906.4); short protein forms H977D.
Identifiers: ClinVar variation 1603899 (VCV001603899.9), dbSNP rs143439097, ClinGen allele CA10076687.

ClinVar aggregate classification (germline): Likely benign. Review status: criteria provided, multiple submitters, no conflicts (2 of 4 stars). 2 submissions from 2 submitters: Likely benign (2). Last evaluated 2026-03-31.

Conditions:
MCM3AP-related disorder. Also called: MCM3AP-related condition.

Allele frequency attached by ClinVar (database versions not stated): gnomAD 0.00006 and 0.00007; gnomAD exomes 0.00006 and 0.00014; ESP Exome Variant Server 0.00008; TOPMed 0.00009; ExAC 0.00013.
gnomAD v4.1: 99 of 1,612,032 alleles (0.0061%); highest among the groups gnomAD compares: Admixed American, 0.0067%; no homozygotes.

Submissions (2):

PreventionGenetics, part of Exact Sciences
Classification: Likely benign for MCM3AP-related condition. Last evaluated: 2026-03-31. Review status: criteria provided, single submitter. Criteria: ACMG Guidelines, 2015. Collection method: clinical testing. Allele origin: germline.
Comment: This variant is classified as likely benign based on ACMG/AMP sequence variant interpretation guidelines (Richards et al. 2015 PMID: 25741868, with internal and published modifications).

Labcorp Genetics (formerly Invitae), Labcorp
Classification: Likely benign. Last evaluated: 2025-09-27. Review status: criteria provided, single submitter. Criteria: Invitae Variant Classification Sherloc (09022015). Collection method: clinical testing. Allele origin: germline.